The following is an entry in ClinVar:

ClinVar aggregate classification (germline): Uncertain significance (1 of 4 stars; one submission).

Submission:

GeneDx
Classification: Uncertain significance. Last evaluated: 2023-10-05. Review status: criteria provided, single submitter. Criteria: GeneDx Variant Classification Process June 2021. Collection method: clinical testing. Allele origin: germline. Affected: yes.
Comment: Not observed at significant frequency in large population cohorts (gnomAD); In-frame insertion of 9 amino acids in a non-repeat region; Has not been previously published as pathogenic or benign to our knowledge

NM_013275.6(ANKRD11):c.3660_3668dup (p.Arg1223_Ala1224insLysAspArg)

Gene: ANKRD11 (ankyrin repeat domain containing 11; minus strand). Cytogenetic location: 16q24.3.
Variant type: Duplication.
Coding change: c.3660_3668dup on transcript NM_013275.6 (MANE Select); coding-DNA positions 3660 to 3668, 9 bases duplicated (GAAGGACAG; older notation c.3660_3668dupGAAGGACAG).
Protein change: p.Arg1223_Ala1224insLysAspArg.
Molecular consequence: inframe insertion.
Genome position (GRCh38, 1-based): chr16:89,282,874-89,282,882, CTGTCCTTC duplicated on the plus strand (GAAGGACAG on the coding strand, the reverse complement: ANKRD11 is on the minus strand); duplicating any 9 consecutive bases within chr16:89,282,874-89,282,890 gives the same sequence; the c. name uses the placement nearest the transcript's 3' end. VCF-style (leftmost placement, unchanged base first): chr16-89282873-T-TCTGTCCTTC. GRCh37 (hg19) VCF-style: chr16-89349281-T-TCTGTCCTTC.
Other names: c.3660_3668dup, p.Arg1223_Ala1224insLysAspArg (NM_001256182.2, NM_001256183.2).
Identifiers: ClinVar variation 3252686 (VCV003252686.1), dbSNP rs896542526.
Genomic context (GRCh38, chr16:89,282,873, plus strand): 5'-TTCAGCCTTCTCGGGGAGCTTCTGTTTATTTTTCTTATCTTGCGTGGAGTCCACTGAGGC[T>TCTGTCCTTC]CTGTCCTTCCTGTCCTTGTACTTTTCTGTGGACTCTTTATCCTTCTTCTCCTTGTGCTTT-3'